The following is an entry in ClinVar:

ClinVar aggregate classification (germline): Uncertain significance (1 of 4 stars; one submission).

Conditions:
Primary ciliary dyskinesia. Also called: Ciliary dyskinesia. Identifiers: Orphanet 244, MedGen C0008780, MONDO:0016575, HP:0012265.

Submission:

Labcorp Genetics (formerly Invitae), Labcorp
Classification: Uncertain significance for Primary ciliary dyskinesia. Last evaluated: 2017-10-24. Review status: criteria provided, single submitter. Criteria: Invitae Variant Classification Sherloc (09022015). Collection method: clinical testing. Allele origin: germline.
Comment: In summary, the available evidence is currently insufficient to determine the role of this variant in disease. Therefore, it has been classified as a Variant of Uncertain Significance. Algorithms developed to predict the effect of missense changes on protein structure and function do not agree on the potential impact of this missense change (SIFT: "Deleterious"; PolyPhen-2: "Possibly Damaging"; Align-GVGD: "Class C0"). This variant has not been reported in the literature in individuals with DNAH5-related disease. This variant is not present in population databases (ExAC no frequency). This sequence change replaces arginine with leucine at codon 3620 of the DNAH5 protein (p.Arg3620Leu). The arginine residue is weakly conserved and there is a moderate physicochemical difference between arginine and leucine.

NM_001369.3(DNAH5):c.10859G>T (p.Arg3620Leu)

Gene: DNAH5 (dynein axonemal heavy chain 5; minus strand). Cytogenetic location: 5p15.2.
Variant type: single nucleotide variant.
Coding change: c.10859G>T on transcript NM_001369.3 (MANE Select); coding-DNA position 10859, G replaced by T.
Protein change: p.Arg3620Leu; replaces arginine 3620 with leucine.
Molecular consequence: missense variant.
Genome position (GRCh38, 1-based): chr5:13,753,246, C>A on the plus strand (G>T on the coding strand, the complement: DNAH5 is on the minus strand). VCF-style: chr5-13753246-C-A. GRCh37 (hg19) VCF-style: chr5-13753355-C-A.
Other names: short protein forms R3620L.
Identifiers: ClinVar variation 525387 (VCV000525387.9), dbSNP rs547014532, ClinGen allele CA359190777.